The following is an entry in ClinVar:

ClinVar aggregate classification (germline): Benign/Likely benign. Review status: criteria provided, multiple submitters, no conflicts (2 of 4 stars). 4 submissions from 4 submitters: Benign (2); Likely benign (1). 1 of the submissions does not count toward it. Last evaluated 2026-01-11.

Conditions:
Congenital myopathy with internal nuclei and atypical cores. Also called: Myopathy, centronuclear, 4. Identifiers: Orphanet 319160, MedGen C4707232, MONDO:0013890, OMIM 614807.
CCDC78-related disorder. Also called: CCDC78-related condition.

Allele frequency attached by ClinVar (database versions not stated): ExAC 0.00060; gnomAD 0.00173 and 0.00195; TOPMed 0.00225; ESP Exome Variant Server 0.00231; 1000 Genomes Project 0.00300; 1000 Genomes Project 30x 0.00312.
gnomAD v4.1: 568 of 1,607,900 alleles (0.035%); highest among the groups gnomAD compares: African/African-American, 0.59%; 2 homozygotes.

Submissions (4):

Labcorp Genetics (formerly Invitae), Labcorp
Classification: Benign for Congenital myopathy with internal nuclei and atypical cores. Last evaluated: 2026-01-11. Review status: criteria provided, single submitter. Criteria: Invitae Variant Classification Sherloc (09022015). Collection method: clinical testing. Allele origin: germline.

Blueprint Genetics
Classification: Likely benign. Last evaluated: 2024-10-16. Review status: criteria provided, single submitter. Criteria: ACMG Guidelines, 2015. Collection method: clinical testing. Allele origin: germline.

Athena Diagnostics
Classification: Benign. Last evaluated: 2023-12-08. Review status: criteria provided, single submitter. Criteria: Athena Diagnostics Criteria. Collection method: clinical testing. Allele origin: unknown.

PreventionGenetics, part of Exact Sciences
Classification: Likely benign for CCDC78-related condition. Last evaluated: 2019-05-22. Review status: no assertion criteria provided. Collection method: clinical testing. Allele origin: germline. Not counted in ClinVar's aggregate classification.
Comment: This variant is classified as likely benign based on ACMG/AMP sequence variant interpretation guidelines (Richards et al. 2015 PMID: 25741868, with internal and published modifications).

NM_001378030.1(CCDC78):c.953+10G>A

Gene: CCDC78 (coiled-coil domain containing 78; minus strand). Cytogenetic location: 16p13.3.
Variant type: single nucleotide variant.
Coding change: c.953+10G>A on transcript NM_001378030.1 (MANE Select); 10 bases into the intron after coding-DNA position 953, G replaced by A.
Molecular consequence: intron variant.
Genome position (GRCh38, 1-based): chr16:724,312, C>T on the plus strand (G>A on the coding strand, the complement: CCDC78 is on the minus strand). VCF-style: chr16-724312-C-T. GRCh37 (hg19) VCF-style: chr16-774312-C-T.
Other names: c.386+10G>A (NM_001378033.1); c.953+10G>A (NM_001378031.1, NM_001031737.3).
Identifiers: ClinVar variation 447010 (VCV000447010.17), dbSNP rs79863898, ClinGen allele CA7789339.
Genomic context (GRCh38, chr16:724,312, plus strand): 5'-CCAAGCCTTTGAGGCACAGAGGCTTAGAGACCCACAGATGCCTGACACCTCCCATCCCAG[C>T]GGGGCCCACCTGTAGGCAACCAGTAGCTCTTCATGCCTGCGGCTCAGATCCACCAGCCTC-3'